The following is an entry in ClinVar:

ClinVar aggregate classification (germline): Uncertain significance (1 of 4 stars; one submission).

Submission:

Labcorp Genetics (formerly Invitae), Labcorp
Classification: Uncertain significance. Last evaluated: 2022-08-19. Review status: criteria provided, single submitter. Criteria: Invitae Variant Classification Sherloc (09022015). Collection method: clinical testing. Allele origin: germline.
Comment: In summary, the available evidence is currently insufficient to determine the role of this variant in disease. Therefore, it has been classified as a Variant of Uncertain Significance. This sequence change replaces tryptophan, which is neutral and slightly polar, with glycine, which is neutral and non-polar, at codon 7 of the C1QB protein (p.Trp7Gly). This variant is not present in population databases (gnomAD no frequency). This variant has not been reported in the literature in individuals affected with C1QB-related conditions. Algorithms developed to predict the effect of missense changes on protein structure and function output the following: SIFT: "Tolerated"; PolyPhen-2: "Benign"; Align-GVGD: "Class C0". The glycine amino acid residue is found in multiple mammalian species, which suggests that this missense change does not adversely affect protein function.

NM_001378156.1(C1QB):c.13T>G (p.Trp5Gly)

Gene: C1QB (complement C1q B chain; plus strand). Cytogenetic location: 1p36.12.
Variant type: single nucleotide variant.
Coding change: c.13T>G on transcript NM_001378156.1 (MANE Select); coding-DNA position 13, T replaced by G.
Protein change: p.Trp5Gly; replaces tryptophan 5 with glycine.
Molecular consequence: missense variant.
Genome position (GRCh38, 1-based): chr1:22,659,475, T>G. VCF-style: chr1-22659475-T-G. GRCh37 (hg19) VCF-style: chr1-22985968-T-G.
Other names: c.19T>G, p.Trp7Gly (NM_000491.5); c.13T>G, p.Trp5Gly (NM_001371184.3); short protein forms W5G, W7G.
Identifiers: ClinVar variation 1716735 (VCV001716735.5), dbSNP rs2522279347, ClinGen allele CA338944062.